The following is an entry in ClinVar:

ClinVar aggregate classification (germline): Benign/Likely benign. Review status: criteria provided, multiple submitters, no conflicts (2 of 4 stars). 3 submissions from 3 submitters: Benign (1); Likely benign (1). 1 of the submissions does not count toward it. Last evaluated 2025-11-12.

Conditions:
DCTN1-related disorder. Also called: DCTN1-related condition.
Inborn genetic diseases. Identifiers: MedGen C0950123, MeSH D030342.
Amyotrophic lateral sclerosis type 1 (ALS1). Also called: AMYOTROPHIC LATERAL SCLEROSIS 1, FAMILIAL. Identifiers: Orphanet 803, MedGen C1862939, MONDO:0007103, OMIM 105400.
Perry syndrome. Also called: PARKINSONISM WITH ALVEOLAR HYPOVENTILATION AND MENTAL DEPRESSION. Identifiers: Orphanet 178509, MedGen C1868594, MONDO:0008201, OMIM 168605.
Neuronopathy, distal hereditary motor, type 7B. Also called: Distal Hereditary Motor Neuronopathy Type 7B (dHMN7B); HMN VIIB; LOWER MOTOR NEURON DISEASE, DYNACTIN TYPE; NEURONOPATHY, DISTAL HEREDITARY MOTOR, AUTOSOMAL DOMINANT 14; NEURONOPATHY, DISTAL HEREDITARY MOTOR, HARDING TYPE VIIB; NEUROPATHY, DISTAL HEREDITARY MOTOR, HARDING TYPE VIIB. Identifiers: Orphanet 139589, MedGen C1843315, MONDO:0011879, OMIM 607641.

Allele frequency attached by ClinVar (database versions not stated): 1000 Genomes Project 0.00200; 1000 Genomes Project 30x 0.00234; gnomAD exomes 0.00023; ExAC 0.00033; TOPMed 0.00100; ESP Exome Variant Server 0.00108.
gnomAD v4.1: 303 of 1,614,214 alleles (0.019%); highest among the groups gnomAD compares: African/African-American, 0.36%; 2 homozygotes.

Submissions (3):

Labcorp Genetics (formerly Invitae), Labcorp
Classification: Benign for Amyotrophic lateral sclerosis type 1; Neuronopathy, distal hereditary motor, type 7B; Perry syndrome. Last evaluated: 2025-11-12. Review status: criteria provided, single submitter. Criteria: Invitae Variant Classification Sherloc (09022015). Collection method: clinical testing. Allele origin: germline.

Ambry Genetics
Classification: Likely benign for Inborn genetic diseases. Last evaluated: 2019-07-11. Review status: criteria provided, single submitter. Criteria: Ambry Variant Classification Scheme 2023. Collection method: clinical testing. Allele origin: germline.

PreventionGenetics, part of Exact Sciences
Classification: Benign for DCTN1-related condition. Last evaluated: 2019-05-02. Review status: no assertion criteria provided. Collection method: clinical testing. Allele origin: germline. Not counted in ClinVar's aggregate classification.
Comment: This variant is classified as benign based on ACMG/AMP sequence variant interpretation guidelines (Richards et al. 2015 PMID: 25741868, with internal and published modifications).

NM_004082.5(DCTN1):c.1095G>A (p.Glu365=)

Gene: DCTN1 (dynactin subunit 1; minus strand). Cytogenetic location: 2p13.1.
Variant type: single nucleotide variant.
Coding change: c.1095G>A on transcript NM_004082.5 (MANE Select); coding-DNA position 1095, G replaced by A.
Protein change: p.Glu365=; no amino-acid change (glutamic acid 365 retained).
Molecular consequence: synonymous variant. On other transcripts: non-coding transcript variant (1).
Genome position (GRCh38, 1-based): chr2:74,370,498, C>T on the plus strand (G>A on the coding strand, the complement: DCTN1 is on the minus strand). VCF-style: chr2-74370498-C-T. GRCh37 (hg19) VCF-style: chr2-74597625-C-T.
Other names: c.1035G>A, p.Glu345= (NM_001135040.3); c.693G>A, p.Glu231= (NM_001135041.3, NM_023019.4); c.984G>A, p.Glu328= (NM_001190836.2); c.1074G>A, p.Glu358= (NM_001190837.2); c.1044G>A, p.Glu348= (NM_001378991.1); c.1026G>A, p.Glu342= (NM_001378992.1).
Identifiers: ClinVar variation 468254 (VCV000468254.18), dbSNP rs115088049, ClinGen allele CA1722247.